The following is an entry in ClinVar:

ClinVar aggregate classification (germline): Uncertain significance (1 of 4 stars; one submission).

Conditions:
Long QT syndrome (LQTS). Identifiers: MedGen C0023976, MeSH D008133, MONDO:0002442. Disease mechanism: loss of function. Inheritance: Various modes of inheritance.

gnomAD v4.1: 2 of 1,613,086 alleles (0.00012%); highest among the groups gnomAD compares: Non-Finnish European, 0.00017%; no homozygotes.

Submission:

Labcorp Genetics (formerly Invitae), Labcorp
Classification: Uncertain significance for Long QT syndrome. Last evaluated: 2022-06-08. Review status: criteria provided, single submitter. Criteria: Invitae Variant Classification Sherloc (09022015). Collection method: clinical testing. Allele origin: germline.
Comment: This variant is not present in population databases (gnomAD no frequency). In summary, the available evidence is currently insufficient to determine the role of this variant in disease. Therefore, it has been classified as a Variant of Uncertain Significance. Algorithms developed to predict the effect of missense changes on protein structure and function (SIFT, PolyPhen-2, Align-GVGD) all suggest that this variant is likely to be tolerated. This variant has not been reported in the literature in individuals affected with CACNA1C-related conditions. This sequence change replaces proline, which is neutral and non-polar, with alanine, which is neutral and non-polar, at codon 89 of the CACNA1C protein (p.Pro89Ala).

NM_000719.7(CACNA1C):c.265C>G (p.Pro89Ala)

Gene: CACNA1C (calcium voltage-gated channel subunit alpha1 C; plus strand). Cytogenetic location: 12p13.33.
Variant type: single nucleotide variant.
Coding change: c.265C>G on transcript NM_000719.7 (MANE Select); coding-DNA position 265, C replaced by G.
Protein change: p.Pro89Ala; replaces proline 89 with alanine.
Molecular consequence: missense variant.
Genome position (GRCh38, 1-based): chr12:2,115,439, C>G. VCF-style: chr12-2115439-C-G. GRCh37 (hg19) VCF-style: chr12-2224605-C-G.
Other names: c.265C>G, p.Pro89Ala (NM_001129827.2, NM_001129829.2, NM_001129830.3 and 19 more transcripts); short protein forms P89A.
Identifiers: ClinVar variation 2002801 (VCV002002801.4), dbSNP rs2547570130, ClinGen allele CA383653274.
Genomic context (GRCh38, chr12:2,115,439, plus strand): 5'-GGCAATGCGACCATCTCCACAGTCAGCTCCACGCAGCGGAAGCGGCAGCAATATGGGAAA[C>G]CCAAGAAGCAGGGCAGCACCACGGCCACACGCCCGCCCCGAGCCCTGCTCTGCCTGACCC-3'
Protein context (NP_000710.5, residues 79-99): TQRKRQQYGK[Pro89Ala]KKQGSTTATR